The following is an entry in ClinVar:

ClinVar aggregate classification (germline): Pathogenic (1 of 4 stars; one submission).

Submission:

Labcorp Genetics (formerly Invitae), Labcorp
Classification: Pathogenic. Last evaluated: 2023-04-15. Review status: criteria provided, single submitter. Criteria: Invitae Variant Classification Sherloc (09022015). Collection method: clinical testing. Allele origin: germline.
Comment: This sequence change creates a premature translational stop signal (p.Phe244*) in the CEACAM16 gene. It is expected to result in an absent or disrupted protein product. Loss-of-function variants in CEACAM16 are known to be pathogenic (PMID: 29703829, 30514912). This variant is not present in population databases (gnomAD no frequency). This variant has not been reported in the literature in individuals affected with CEACAM16-related conditions. For these reasons, this variant has been classified as Pathogenic.

Literature cited by the submitters: PubMed 29703829; PubMed 30514912.

NM_001039213.4(CEACAM16):c.727_730dup (p.Phe244Ter)

Genes: CEACAM16 (CEA cell adhesion molecule 16, tectorial membrane component; plus strand), CEACAM16-AS1 (CEACAM16, CEACAM19 and PVR antisense RNA 1; minus strand). Cytogenetic location: 19q13.32.
Variant type: Duplication.
Coding change: c.727_730dup on transcript NM_001039213.4 (MANE Select); coding-DNA positions 727 to 730, 4 bases duplicated (GACT; older notation c.727_730dupGACT).
Protein change: p.Phe244Ter; replaces phenylalanine 244 with a stop codon.
Molecular consequence: nonsense.
Genome position (GRCh38, 1-based): chr19:44,705,655-44,705,658, GACT duplicated; duplicating any 4 consecutive bases within chr19:44,705,654-44,705,658 gives the same sequence; the c. name uses the placement nearest the transcript's 3' end. VCF-style (leftmost placement, unchanged base first): chr19-44705653-T-TTGAC. GRCh37 (hg19) VCF-style: chr19-45208923-T-TTGAC.
Other names: short protein forms F244*.
Identifiers: ClinVar variation 2856290 (VCV002856290.3), dbSNP rs2513589785, ClinGen allele CA2739276857.